The following is an entry in ClinVar:

ClinVar aggregate classification (germline): Likely benign. Review status: criteria provided, single submitter (1 of 4 stars). 2 submissions from 2 submitters: Likely benign (1). 1 of the submissions does not count toward it. Last evaluated 2025-08-08.

Conditions:
ALG12-congenital disorder of glycosylation (CDG1G). Also called: CDG Ig; ALG12-CDG; Congenital disorder of glycosylation, type Ig. Identifiers: Orphanet 79324, MedGen C2931001, MONDO:0011783, OMIM 607143.
ALG12-related disorder. Also called: ALG12-related condition.

Allele frequency attached by ClinVar (database versions not stated): gnomAD exomes 0.00002 and 0.00006; ESP Exome Variant Server 0.00008; ExAC 0.00009; 1000 Genomes Project 30x 0.00016; 1000 Genomes Project 0.00020; gnomAD 0.00022 and 0.00024; TOPMed 0.00028.
gnomAD v4.1: 67 of 1,614,146 alleles (0.0042%); highest among the groups gnomAD compares: African/African-American, 0.068%; no homozygotes.

Submissions (2):

Labcorp Genetics (formerly Invitae), Labcorp
Classification: Likely benign for ALG12-congenital disorder of glycosylation. Last evaluated: 2025-08-08. Review status: criteria provided, single submitter. Criteria: Invitae Variant Classification Sherloc (09022015). Collection method: clinical testing. Allele origin: germline.

PreventionGenetics, part of Exact Sciences
Classification: Likely benign for ALG12-related condition. Last evaluated: 2019-03-28. Review status: no assertion criteria provided. Collection method: clinical testing. Allele origin: germline. Not counted in ClinVar's aggregate classification.
Comment: This variant is classified as likely benign based on ACMG/AMP sequence variant interpretation guidelines (Richards et al. 2015 PMID: 25741868, with internal and published modifications).

NM_024105.4(ALG12):c.1068C>T (p.Ala356=)

Gene: ALG12 (ALG12 alpha-1,6-mannosyltransferase; minus strand). Cytogenetic location: 22q13.33.
Variant type: single nucleotide variant.
Coding change: c.1068C>T on transcript NM_024105.4 (MANE Select); coding-DNA position 1068, C replaced by T.
Protein change: p.Ala356=; no amino-acid change (alanine 356 retained).
Molecular consequence: synonymous variant.
Genome position (GRCh38, 1-based): chr22:49,904,431, G>A on the plus strand (C>T on the coding strand, the complement: ALG12 is on the minus strand). VCF-style: chr22-49904431-G-A. GRCh37 (hg19) VCF-style: chr22-50298079-G-A.
Identifiers: ClinVar variation 732151 (VCV000732151.12), dbSNP rs371321442, ClinGen allele CA10300353.